The following is an entry in ClinVar:

NM_020831.6(MRTFA):c.1194G>C (p.Glu398Asp)

Gene: MRTFA (myocardin related transcription factor A; minus strand). Cytogenetic location: 22q13.1.
Variant type: single nucleotide variant.
Coding change: c.1194G>C on transcript NM_020831.6 (MANE Select); coding-DNA position 1194, G replaced by C.
Protein change: p.Glu398Asp; replaces glutamic acid 398 with aspartic acid.
Molecular consequence: missense variant.
Genome position (GRCh38, 1-based): chr22:40,420,564, C>G on the plus strand (G>C on the coding strand, the complement: MRTFA is on the minus strand). VCF-style: chr22-40420564-C-G. GRCh37 (hg19) VCF-style: chr22-40816568-C-G.
Other names: c.894G>C, p.Glu298Asp (NM_001282660.2); c.1044G>C, p.Glu348Asp (NM_001282661.3); c.1194G>C, p.Glu398Asp (NM_001282662.3); c.999G>C, p.Glu333Asp (NM_001318139.2); short protein forms E333D, E348D, E398D, E298D.
Identifiers: ClinVar variation 4777139 (VCV004777139.2).

ClinVar aggregate classification (germline): Uncertain significance. Review status: criteria provided, multiple submitters, no conflicts (2 of 4 stars). 2 submissions from 2 submitters: Uncertain significance (2). Last evaluated 2025-03-27.

gnomAD v4.1: 15 of 1,613,346 alleles (0.00093%); highest among the groups gnomAD compares: Non-Finnish European, 0.0011%; no homozygotes.

Submissions (2):

Labcorp Genetics (formerly Invitae), Labcorp
Classification: Uncertain significance. Last evaluated: 2025-03-27. Review status: criteria provided, single submitter. Criteria: Invitae Variant Classification Sherloc (09022015). Collection method: clinical testing. Allele origin: germline.
Comment: This sequence change replaces glutamic acid, which is acidic and polar, with aspartic acid, which is acidic and polar, at codon 298 of the MKL1 protein (p.Glu298Asp). This variant is not present in population databases (gnomAD no frequency). This variant has not been reported in the literature in individuals affected with MKL1-related conditions. An algorithm developed to predict the effect of missense changes on protein structure and function (PolyPhen-2) suggests that this variant is likely to be disruptive. In summary, the available evidence is currently insufficient to determine the role of this variant in disease. Therefore, it has been classified as a Variant of Uncertain Significance.

Blueprint Genetics
Classification: Uncertain significance. Last evaluated: 2021-06-01. Review status: criteria provided, single submitter. Criteria: ACMG Guidelines, 2015. Collection method: clinical testing. Allele origin: germline.